The following is an entry in ClinVar:

NM_006767.4(LZTR1):c.869T>A (p.Val290Glu)

Gene: LZTR1 (leucine zipper like post translational regulator 1; plus strand). Cytogenetic location: 22q11.21.
Variant type: single nucleotide variant.
Coding change: c.869T>A on transcript NM_006767.4 (MANE Select); coding-DNA position 869, T replaced by A.
Protein change: p.Val290Glu; replaces valine 290 with glutamic acid.
Molecular consequence: missense variant.
Genome position (GRCh38, 1-based): chr22:20,991,705, T>A. VCF-style: chr22-20991705-T-A. GRCh37 (hg19) VCF-style: chr22-21345994-T-A.
Other names: short protein forms V290E.
Identifiers: ClinVar variation 3541659 (VCV003541659.1).

ClinVar aggregate classification (germline): Uncertain significance (1 of 4 stars; one submission).

Conditions:
Hereditary cancer-predisposing syndrome. Also called: Hereditary Cancer Syndrome; Hereditary neoplastic syndrome; Tumor predisposition; Neoplastic Syndromes, Hereditary. Identifiers: Orphanet 140162, MedGen C0027672, MeSH D009386, MONDO:0015356.
Cardiovascular phenotype. Identifiers: MedGen CN230736.

gnomAD v4.1: 1 of 1,596,598 alleles (0.000063%); highest among the groups gnomAD compares: Non-Finnish European, 0.000085%; no homozygotes.

Submission:

Ambry Genetics
Classification: Uncertain significance for Cardiovascular phenotype; Hereditary cancer-predisposing syndrome. Last evaluated: 2024-10-15. Review status: criteria provided, single submitter. Criteria: Ambry Variant Classification Scheme 2023. Collection method: clinical testing. Allele origin: germline.
Comment: The p.V290E variant (also known as c.869T>A), located in coding exon 9 of the LZTR1 gene, results from a T to A substitution at nucleotide position 869. The valine at codon 290 is replaced by glutamic acid, an amino acid with dissimilar properties. This amino acid position is conserved. In addition, this alteration is predicted to be deleterious by in silico analysis. Based on the available evidence, the clinical significance of this variant remains unclear.